The following is an entry in ClinVar:

ClinVar aggregate classification (germline): Uncertain significance (1 of 4 stars; one submission).

Conditions:
Autosomal recessive limb-girdle muscular dystrophy type 2J (LGMDR10). Also called: Limb-girdle muscular dystrophy, type 2J; MUSCULAR DYSTROPHY, LIMB-GIRDLE, AUTOSOMAL RECESSIVE 10. Identifiers: Orphanet 140922, MedGen C1837342, MONDO:0012127, OMIM 608807.
Dilated cardiomyopathy 1G (CMD1G). Identifiers: Orphanet 154, MedGen C1858763, MONDO:0011400, OMIM 604145.

Submission:

Labcorp Genetics (formerly Invitae), Labcorp
Classification: Uncertain significance for Dilated cardiomyopathy 1G; Autosomal recessive limb-girdle muscular dystrophy type 2J. Last evaluated: 2025-05-18. Review status: criteria provided, single submitter. Criteria: Invitae Variant Classification Sherloc (09022015). Collection method: clinical testing. Allele origin: germline.
Comment: This sequence change replaces alanine, which is neutral and non-polar, with threonine, which is neutral and polar, at codon 33591 of the TTN protein (p.Ala33591Thr). This variant is not present in population databases (gnomAD no frequency). This variant has not been reported in the literature in individuals affected with TTN-related conditions. ClinVar contains an entry for this variant (Variation ID: 3751622). Experimental studies and prediction algorithms are not available or were not evaluated, and the functional significance of this variant is currently unknown. In summary, the available evidence is currently insufficient to determine the role of this variant in disease. Therefore, it has been classified as a Variant of Uncertain Significance.

NM_001267550.2(TTN):c.100771G>A (p.Ala33591Thr)

Genes: TTN (titin; minus strand), TTN-AS1 (TTN antisense RNA 1; plus strand). Cytogenetic location: 2q31.2.
Variant type: single nucleotide variant.
Coding change: c.100771G>A on transcript NM_001267550.2 (MANE Select); coding-DNA position 100771, G replaced by A.
Protein change: p.Ala33591Thr; replaces alanine 33591 with threonine.
Molecular consequence: missense variant.
Genome position (GRCh38, 1-based): chr2:178,535,844, C>T on the plus strand (G>A on the coding strand, the complement: TTN is on the minus strand). VCF-style: chr2-178535844-C-T. GRCh37 (hg19) VCF-style: chr2-179400571-C-T.
Other names: c.95848G>A, p.Ala31950Thr (NM_001256850.1); c.73576G>A, p.Ala24526Thr (NM_003319.4); c.93067G>A, p.Ala31023Thr (NM_133378.4); c.73951G>A, p.Ala24651Thr (NM_133432.3); c.74152G>A, p.Ala24718Thr (NM_133437.4); short protein forms A24526T, A24651T, A24718T, A31023T, A31950T, A33591T.
Identifiers: ClinVar variation 3751622 (VCV003751622.2).